The following is an entry in ClinVar:

NM_004415.4(DSP):c.8180T>C (p.Leu2727Pro)

Gene: DSP (desmoplakin; plus strand). Cytogenetic location: 6p24.3.
Variant type: single nucleotide variant.
Coding change: c.8180T>C on transcript NM_004415.4 (MANE Select); coding-DNA position 8180, T replaced by C.
Protein change: p.Leu2727Pro; replaces leucine 2727 with proline.
Molecular consequence: missense variant.
Genome position (GRCh38, 1-based): chr6:7,585,442, T>C. VCF-style: chr6-7585442-T-C. GRCh37 (hg19) VCF-style: chr6-7585675-T-C.
Other names: p.Leu2727Pro; c.6383T>C, p.Leu2128Pro (NM_001008844.3); c.6851T>C, p.Leu2284Pro (NM_001319034.2); short protein forms L2128P, L2284P, L2727P.
Identifiers: ClinVar variation 3379635 (VCV003379635.1).

ClinVar aggregate classification (germline): Uncertain significance (1 of 4 stars; one submission).

Submission:

Mayo Clinic Laboratories, Mayo Clinic
Classification: Uncertain significance. Last evaluated: 2024-06-07. Review status: criteria provided, single submitter. Criteria: ACMG Guidelines, 2015. Collection method: clinical testing. Allele origin: germline. Observed: 1 variant allele.
Comment: PP3, PM2